The following is an entry in ClinVar:

NM_001165963.4(SCN1A):c.505T>C (p.Ser169Pro)

Gene: SCN1A (sodium voltage-gated channel alpha subunit 1; minus strand). Cytogenetic location: 2q24.3.
Variant type: single nucleotide variant.
Coding change: c.505T>C on transcript NM_001165963.4 (MANE Select); coding-DNA position 505, T replaced by C.
Protein change: p.Ser169Pro; replaces serine 169 with proline.
Molecular consequence: missense variant. On other transcripts: 5 prime UTR variant (1), non-coding transcript variant (1).
Genome position (GRCh38, 1-based): chr2:166,054,735, A>G on the plus strand (T>C on the coding strand, the complement: SCN1A is on the minus strand). VCF-style: chr2-166054735-A-G. GRCh37 (hg19) VCF-style: chr2-166911245-A-G.
Other names: p.S169P:TCA>CCA; c.505T>C, p.Ser169Pro (NM_001165964.3, NM_001202435.3, NM_001353948.2 and 10 more transcripts); c.-1921T>C (NM_001353961.2); short protein forms S169P.
Identifiers: ClinVar variation 206740 (VCV000206740.3), dbSNP rs796052957, ClinGen allele CA317134.

ClinVar aggregate classification (germline): Likely pathogenic. Review status: criteria provided, single submitter (1 of 4 stars). 2 submissions from 2 submitters: Likely pathogenic (1). 1 of the submissions does not count toward it. Last evaluated 2014-04-10.

Conditions:
Severe myoclonic epilepsy in infancy (DRVT). Also called: DEVELOPMENTAL AND EPILEPTIC ENCEPHALOPATHY 6A; Severe Myoclonic Epilepsy in Infancy (SMEI); Epileptic encephalopathy, early infantile, 6 (Dravet syndrome); SEVERE MYOCLONIC EPILEPSY OF INFANCY; Dravet syndrome. Identifiers: Orphanet 33069, MedGen C0751122, MONDO:0100135, OMIM 607208.

Submissions (2):

GeneDx
Classification: Likely pathogenic. Last evaluated: 2014-04-10. Review status: criteria provided, single submitter. Criteria: GeneDx Variant Classification (06012015). Collection method: clinical testing. Allele origin: germline. Affected: yes.
Comment: p.Ser169Pro (TCA>CCA): c.505 T>C in exon 4 of the SCN1A gene (NM_001165963.1) A S169P variant that is likely pathogenic has been identified in the SCN1A gene. The S169P variant has not been published as a mutation, nor has it been reported as a benign polymorphism to our knowledge. It was not observed in approximately 6,500 individuals of European and African American ancestry in the NHLBI Exome Sequencing Project, indicating it is not a common benign variant in these populations. The S169P variant is a non-conservative amino acid substitution, which is likely to impact secondary protein structure as these residues differ in polarity, charge, size and/or other properties. This substitution alters a conserved position in transmembrane segment S2 in the 1st homologous domain, and in silico analysis predicts this variant is probably damaging to the protein structure/function. Missense mutations in nearby residues (G163E, I171K, I171R) have been reported in association with Dravet syndrome and myoclonic epilepsy of infancy, supporting the functional importance of this region of the protein. Therefore, this variant is a strong candidate for a pathogenic mutation; however the possibility that it is a benign variant cannot be excluded. The variant is found in CHILD-EPI panel(s).

Foundation for Research in Genetics and Endocrinology, FRIGE's Institute of Human Genetics
Classification: Likely pathogenic for Severe myoclonic epilepsy in infancy. Last evaluated: 2017-08-17. Review status: no assertion criteria provided. Collection method: clinical testing. Allele origin: germline. Inheritance: Autosomal dominant inheritance. Affected: yes. Observed: 1 variant allele, 1 heterozygote. Not counted in ClinVar's aggregate classification.
Comment: The variant is predicted to be damaging by SIFT, LRT, MutationTaster, PolyPhen-2, Mutation Assessor and FATHMM. The identified variant g= has been reported in the dbSNP database with an identification number rs796052957. In the Clin Var database,the clinical significance of this variant has been reported as 'likely pathogenic' (RCV000188835); however, clinical condition for the same has not been provided.